The following is an entry in ClinVar:

ClinVar aggregate classification (germline): Pathogenic. Review status: criteria provided, multiple submitters, no conflicts (2 of 4 stars). 2 submissions from 2 submitters: Pathogenic (2). Last evaluated 2025-10-12.

Conditions:
Cardiac arrhythmia. Also called: Arrhythmia; Cardiac rhythm disease. Identifiers: MedGen C0003811, MONDO:0007263, HP:0011675.
Long QT syndrome (LQTS). Identifiers: MedGen C0023976, MeSH D008133, MONDO:0002442. Disease mechanism: loss of function. Inheritance: Various modes of inheritance.

Submissions (2):

Labcorp Genetics (formerly Invitae), Labcorp
Classification: Pathogenic for Long QT syndrome. Last evaluated: 2025-10-12. Review status: criteria provided, single submitter. Criteria: Invitae Variant Classification Sherloc (09022015). Collection method: clinical testing. Allele origin: germline.
Comment: This sequence change creates a premature translational stop signal (p.Ala285Thrfs*73) in the KCNH2 gene. It is expected to result in an absent or disrupted protein product. Loss-of-function variants in KCNH2 are known to be pathogenic (PMID: 10973849, 19862833). This variant is not present in population databases (gnomAD no frequency). This variant has not been reported in the literature in individuals affected with KCNH2-related conditions. ClinVar contains an entry for this variant (Variation ID: 200618). For these reasons, this variant has been classified as Pathogenic.

GeneDx
Classification: Pathogenic for Cardiac arrhythmia. Last evaluated: 2013-12-01. Review status: criteria provided, single submitter. Criteria: GeneDx Variant Classification (06012015). Collection method: clinical testing. Allele origin: germline. Affected: yes.
Comment: The c.853_859delGCCGACG mutation in the KCNH2 gene has not been reported previously to our knowledge, this mutation causes a shift in reading frame starting at codon Alanine 285, changing it to a Threonine, and creating a premature stop codon at position 73 of the new reading frame. This mutation is expected to result either in an abnormal, truncated protein product or loss of protein from this allele through nonsense mediated mRNA decay. Other frameshift mutations in the KCNH2 gene have been reported in association with LQTS. The variant is found in LQT panel(s).

Literature cited by the submitters: PubMed 10973849 (cited by Labcorp Genetics (formerly Invitae), Labcorp); PubMed 19862833 (cited by Labcorp Genetics (formerly Invitae), Labcorp).

NM_000238.4(KCNH2):c.853_859del (p.Ala285fs)

Gene: KCNH2 (potassium voltage-gated channel subfamily H member 2; minus strand). Cytogenetic location: 7q36.1.
Variant type: Deletion.
Coding change: c.853_859del on transcript NM_000238.4 (MANE Select); coding-DNA positions 853 to 859, 7 bases deleted (GCCGACG; older notation c.853_859delGCCGACG).
Protein change: p.Ala285fs; shifts the reading frame from alanine 285.
Molecular consequence: frameshift variant.
Genome position (GRCh38, 1-based): chr7:150,958,116-150,958,122, CGTCGGC deleted on the plus strand (GCCGACG on the coding strand, the reverse complement: KCNH2 is on the minus strand); deleting any 7 consecutive bases within chr7:150,958,116-150,958,124 gives the same sequence; the c. name uses the placement nearest the transcript's 3' end. VCF-style (leftmost placement, unchanged base first): chr7-150958115-TCGTCGGC-T. GRCh37 (hg19) VCF-style: chr7-150655203-TCGTCGGC-T.
Other names: c.563_569delCGGCCGA, p.Ala189Thrfs (NM_001406753.1, NM_001406756.1); c.674_680delCGGCCGA, p.Ala226Thrfs (NM_001406755.1); c.551_557delCGGCCGA, p.Ala185Thrfs (NM_001406757.1); c.851_857delCGGCCGA, p.Ala285Thrfs (NM_172056.3); short protein forms A285fs.
Identifiers: ClinVar variation 200618 (VCV000200618.5), dbSNP rs794728428, ClinGen allele CA008902.